The following is an entry in ClinVar:

ClinVar aggregate classification (germline): Uncertain significance (0 of 4 stars; one submission).

Conditions:
WDPCP-related disorder. Also called: WDPCP-related condition.

Submission:

PreventionGenetics, part of Exact Sciences
Classification: Uncertain significance for WDPCP-related condition. Last evaluated: 2024-07-08. Review status: no assertion criteria provided. Collection method: clinical testing. Allele origin: germline.
Comment: The WDPCP c.1924T>C variant is predicted to result in the amino acid substitution p.Ser642Pro. To our knowledge, this variant has not been reported in the literature or in a large population database, indicating this variant is rare. At this time, the clinical significance of this variant is uncertain due to the absence of conclusive functional and genetic evidence.

NM_015910.7(WDPCP):c.1748+18485T>C

Gene: WDPCP (WD repeat containing planar cell polarity effector; minus strand). Cytogenetic location: 2p15.
Variant type: single nucleotide variant.
Coding change: c.1748+18485T>C on transcript NM_015910.7 (MANE Select); 18485 bases into the intron after coding-DNA position 1748, T replaced by C.
Molecular consequence: intron variant. On other transcripts: missense variant (1).
Genome position (GRCh38, 1-based): chr2:63,359,901, A>G on the plus strand (T>C on the coding strand, the complement: WDPCP is on the minus strand). VCF-style: chr2-63359901-A-G. GRCh37 (hg19) VCF-style: chr2-63587036-A-G.
Other names: c.1924T>C, p.Ser642Pro (NM_001354045.2); c.1676+18485T>C (NM_001354044.2); c.1271+18485T>C (NM_001042692.3); short protein forms S642P.
Identifiers: ClinVar variation 3346940 (VCV003346940.1).